The following is an entry in ClinVar:

ClinVar aggregate classification (germline): Pathogenic (1 of 4 stars; one submission).

Conditions:
Hereditary cancer-predisposing syndrome. Also called: Neoplastic Syndromes, Hereditary; Tumor predisposition; Hereditary Cancer Syndrome; Hereditary neoplastic syndrome. Identifiers: Orphanet 140162, MedGen C0027672, MeSH D009386, MONDO:0015356.

Submission:

Ambry Genetics
Classification: Pathogenic for Hereditary cancer-predisposing syndrome. Last evaluated: 2019-09-06. Review status: criteria provided, single submitter. Criteria: Ambry Variant Classification Scheme 2023. Collection method: clinical testing. Allele origin: germline.
Comment: The p.Y1376* pathogenic mutation (also known as c.4128T>A), located in coding exon 15 of the APC gene, results from a T to A substitution at nucleotide position 4128. This changes the amino acid from a tyrosine to a stop codon within coding exon 15. In addition to the clinical data presented in the literature, this alteration is expected to result in loss of function by premature protein truncation. As such, this alteration is interpreted as a disease-causing mutation.

Literature cited by the submitters: PubMed 20924072.

NM_000038.6(APC):c.4128T>A (p.Tyr1376Ter)

Gene: APC (APC regulator of Wnt signaling pathway; plus strand). Cytogenetic location: 5q22.2.
Variant type: single nucleotide variant.
Coding change: c.4128T>A on transcript NM_000038.6 (MANE Select); coding-DNA position 4128, T replaced by A.
Protein change: p.Tyr1376Ter; replaces tyrosine 1376 with a stop codon.
Molecular consequence: nonsense.
Genome position (GRCh38, 1-based): chr5:112,839,722, T>A. VCF-style: chr5-112839722-T-A. GRCh37 (hg19) VCF-style: chr5-112175419-T-A.
Other names: c.4128T>A, p.Tyr1376Ter (NM_001127510.3, NM_001354895.2, NM_001407450.1); c.4074T>A, p.Tyr1358Ter (NM_001127511.3); c.4182T>A, p.Tyr1394Ter (NM_001354896.2, NM_001407447.1, NM_001407448.1 and 1 more transcripts); c.4158T>A, p.Tyr1386Ter (NM_001354897.2); c.4053T>A, p.Tyr1351Ter (NM_001354898.2); c.4044T>A, p.Tyr1348Ter (NM_001354899.2); c.4005T>A, p.Tyr1335Ter (NM_001354900.2); c.3951T>A, p.Tyr1317Ter (NM_001354901.2, NM_001407453.1); and 11 more; short protein forms Y1093*, Y1216*, Y1275*, Y1317*, Y1247*, Y1250*, Y1293*, Y1335*.
Identifiers: ClinVar variation 1738059 (VCV001738059.2), dbSNP rs1554085539, ClinGen allele CA16030372.